The following is an entry in ClinVar:

NM_001297.5(CNGB1):c.1862T>C (p.Val621Ala)

Gene: CNGB1 (cyclic nucleotide gated channel subunit beta 1; minus strand). Cytogenetic location: 16q21.
Variant type: single nucleotide variant.
Coding change: c.1862T>C on transcript NM_001297.5 (MANE Select); coding-DNA position 1862, T replaced by C.
Protein change: p.Val621Ala; replaces valine 621 with alanine.
Molecular consequence: missense variant.
Genome position (GRCh38, 1-based): chr16:57,919,194, A>G on the plus strand (T>C on the coding strand, the complement: CNGB1 is on the minus strand). VCF-style: chr16-57919194-A-G. GRCh37 (hg19) VCF-style: chr16-57953098-A-G.
Other names: c.1844T>C, p.Val615Ala (NM_001286130.2); short protein forms V615A, V621A.
Identifiers: ClinVar variation 1924413 (VCV001924413.6), dbSNP rs758668477, ClinGen allele CA8083255.

ClinVar aggregate classification (germline): Conflicting classifications of pathogenicity. Review status: criteria provided, conflicting classifications (1 of 4 stars). 2 submissions from 2 submitters: Uncertain significance (1); Likely benign (1). Last evaluated 2022-07-08.

Conditions:
Inborn genetic diseases. Identifiers: MedGen C0950123, MeSH D030342.

Allele frequency attached by ClinVar (database versions not stated): TOPMed below 0.00001; gnomAD 0.00001; ExAC 0.00002; gnomAD exomes 0.00003.
gnomAD v4.1: 44 of 1,614,030 alleles (0.0027%); highest among the groups gnomAD compares: Non-Finnish European, 0.0036%; no homozygotes.

Submissions (2):

Ambry Genetics
Classification: Likely benign for Inborn genetic diseases. Last evaluated: 2022-07-08. Review status: criteria provided, single submitter. Criteria: Ambry Variant Classification Scheme 2023. Collection method: clinical testing. Allele origin: germline.

Labcorp Genetics (formerly Invitae), Labcorp
Classification: Uncertain significance. Last evaluated: 2022-05-15. Review status: criteria provided, single submitter. Criteria: Invitae Variant Classification Sherloc (09022015). Collection method: clinical testing. Allele origin: germline.
Comment: This sequence change replaces valine, which is neutral and non-polar, with alanine, which is neutral and non-polar, at codon 621 of the CNGB1 protein (p.Val621Ala). This variant is present in population databases (rs758668477, gnomAD 0.005%). This variant has not been reported in the literature in individuals affected with CNGB1-related conditions. Advanced modeling of protein sequence and biophysical properties (such as structural, functional, and spatial information, amino acid conservation, physicochemical variation, residue mobility, and thermodynamic stability) performed at Invitae indicates that this missense variant is not expected to disrupt CNGB1 protein function. In summary, the available evidence is currently insufficient to determine the role of this variant in disease. Therefore, it has been classified as a Variant of Uncertain Significance.